The following is an entry in ClinVar:

ClinVar aggregate classification (germline): Uncertain significance (1 of 4 stars; one submission).

Submission:

GeneDx
Classification: Uncertain significance. Last evaluated: 2025-07-02. Review status: criteria provided, single submitter. Criteria: GeneDx Variant Classification Process June 2021. Collection method: clinical testing. Allele origin: germline. Affected: yes.
Comment: Not observed at significant frequency in large population cohorts (gnomAD); In silico analysis supports that this missense variant has a deleterious effect on protein structure/function; Has not been previously published as pathogenic or benign to our knowledge

NM_000503.6(EYA1):c.1690G>T (p.Ala564Ser)

Gene: EYA1 (EYA transcriptional coactivator and phosphatase 1; minus strand). Cytogenetic location: 8q13.3.
Variant type: single nucleotide variant.
Coding change: c.1690G>T on transcript NM_000503.6 (MANE Select); coding-DNA position 1690, G replaced by T.
Protein change: p.Ala564Ser; replaces alanine 564 with serine.
Molecular consequence: missense variant.
Genome position (GRCh38, 1-based): chr8:71,211,164, C>A on the plus strand (G>T on the coding strand, the complement: EYA1 is on the minus strand). VCF-style: chr8-71211164-C-A. GRCh37 (hg19) VCF-style: chr8-72123399-C-A.
Other names: c.1672G>T, p.Ala558Ser (NM_001288574.2, NM_172059.5); c.1324G>T, p.Ala442Ser (NM_001288575.2); c.1777G>T, p.Ala593Ser (NM_001370333.1); c.1690G>T, p.Ala564Ser (NM_001370334.1, NM_001370335.1, NM_172058.4); c.1669G>T, p.Ala557Ser (NM_001370336.1); c.1591G>T, p.Ala531Ser (NM_001411797.1, NM_172060.4); short protein forms A442S, A531S, A557S, A558S, A564S, A593S.
Identifiers: ClinVar variation 4681008 (VCV004681008.1).